The following is an entry in ClinVar:

ClinVar aggregate classification (germline): Conflicting classifications of pathogenicity. Review status: criteria provided, conflicting classifications (1 of 4 stars). 5 submissions from 5 submitters: Uncertain significance (1); Benign (1); Likely benign (3). Last evaluated 2026-08-01.

Conditions:
MPDU1-congenital disorder of glycosylation. Also called: CONGENITAL DISORDER OF GLYCOSYLATION, TYPE If; MPDU1-CDG; CDG If. Identifiers: Orphanet 79323, MedGen C1836669, MONDO:0012211, OMIM 609180.

Allele frequency attached by ClinVar (database versions not stated): ExAC 0.00079; gnomAD exomes 0.00080 and 0.00116; 1000 Genomes Project 30x 0.00156; gnomAD 0.00171 and 0.00178; ESP Exome Variant Server 0.00177; 1000 Genomes Project 0.00180; TOPMed 0.00183.
gnomAD v4.1: 1,977 of 1,613,996 alleles (0.12%); highest among the groups gnomAD compares: African/African-American, 0.33%; 4 homozygotes.

Submissions (5):

CeGaT Center for Human Genetics Tuebingen
Classification: Likely benign. Last evaluated: 2026-08-01. Review status: criteria provided, single submitter. Criteria: CeGaT Center For Human Genetics Tuebingen Variant Classification Criteria Version 2. Collection method: clinical testing. Allele origin: germline. Affected: yes. Observed: 2 variant alleles.
Comment: MPDU1: BP4, BP7

Labcorp Genetics (formerly Invitae), Labcorp
Classification: Benign for MPDU1-congenital disorder of glycosylation. Last evaluated: 2026-01-14. Review status: criteria provided, single submitter. Criteria: Invitae Variant Classification Sherloc (09022015). Collection method: clinical testing. Allele origin: germline.

Blueprint Genetics
Classification: Likely benign. Last evaluated: 2024-10-17. Review status: criteria provided, single submitter. Criteria: ACMG Guidelines, 2015. Collection method: clinical testing. Allele origin: germline.

GeneDx
Classification: Likely benign. Last evaluated: 2020-04-03. Review status: criteria provided, single submitter. Criteria: GeneDx Variant Classification Process June 2021. Collection method: clinical testing. Allele origin: germline. Affected: yes.

Illumina Laboratory Services, Illumina
Classification: Uncertain significance for MPDU1-congenital disorder of glycosylation. Last evaluated: 2018-01-12. Review status: criteria provided, single submitter. Criteria: ICSL Variant Classification Criteria 13 December 2019. Collection method: clinical testing. Allele origin: germline.

NM_004870.4(MPDU1):c.393C>T (p.Val131=)

Gene: MPDU1 (mannose-P-dolichol utilization defect 1; plus strand). Cytogenetic location: 17p13.1.
Variant type: single nucleotide variant.
Coding change: c.393C>T on transcript NM_004870.4 (MANE Select); coding-DNA position 393, C replaced by T.
Protein change: p.Val131=; no amino-acid change (valine 131 retained).
Molecular consequence: synonymous variant. On other transcripts: non-coding transcript variant (1), intron variant (1).
Genome position (GRCh38, 1-based): chr17:7,586,903, C>T. VCF-style: chr17-7586903-C-T. GRCh37 (hg19) VCF-style: chr17-7490221-C-T.
Other names: c.449+65C>T (NM_001330073.1).
Identifiers: ClinVar variation 325515 (VCV000325515.43), dbSNP rs79286384, ClinGen allele CA8352939.
Genomic context (GRCh38, chr17:7,586,903, plus strand): 5'-GGGAAAGCCAAATGATGTGGAGAGATTGACAAGGACTCCTGTCTCCCCACCCCTAGGTGT[C>T]GCTTTCCTCGCTTGCTACGGCCTGGTCCTGCTGGTGCTTCTCTCACCTCTGACGCCCTTG-3'
Protein context (NP_004861.2, residues 121-141): MHYRGQTVKG[Val131=]AFLACYGLVL